The following is an entry in ClinVar:

ClinVar aggregate classification (germline): Conflicting classifications of pathogenicity. Review status: criteria provided, conflicting classifications (1 of 4 stars). 2 submissions from 2 submitters: Likely pathogenic (1); Uncertain significance (1). Last evaluated 2026-04-27.

Submissions (2):

Dasa
Classification: Uncertain significance. Last evaluated: 2026-04-27. Review status: criteria provided, single submitter. Criteria: DASA Assertion Criteria. Collection method: clinical testing. Allele origin: germline.
Comment: NM_003883.4(HDAC3):c.893A>G (p.Tyr298Cys) is a missense variant that results in the substitution of tyrosine with cysteine. This variant has been reported in individuals with HDAC3-related disorders. Also, this variant is rare in population databases. Computational prediction algorithms are consistent with a deleterious effect. The currently available literature and clinical evidence are not sufficient to establish a definitive association between this variant and the reported condition. Therefore, this variant is classified as a variant of uncertain significance.

Ambry Genetics
Classification: Likely pathogenic. Last evaluated: 2026-01-08. Review status: criteria provided, single submitter. Criteria: Ambry Variant Classification Scheme 2023. Collection method: clinical testing. Allele origin: germline.
Comment: The c.893A>G (p.Y298C) alteration is located in coding exon 11 of the HDAC3 gene. This alteration results from an A to G substitution at nucleotide position 893, causing the tyrosine (Y) at amino acid position 298 to be replaced by a cysteine (C). This variant was not reported in population-based cohorts in the Genome Aggregation Database (gnomAD). This amino acid position is highly conserved in available vertebrate species. This missense alteration is located in a region that has a low rate of benign missense variation (Lek, 2016; Firth, 2009). This alteration is predicted to be deleterious by in silico analysis. Based on the available evidence, this alteration is classified as likely pathogenic.

Literature cited by the submitters: PubMed 10490031 (cited by Ambry Genetics); PubMed 17956988 (cited by Ambry Genetics); PubMed 24268577 (cited by Ambry Genetics).

NM_003883.4(HDAC3):c.893A>G (p.Tyr298Cys)

Gene: HDAC3 (histone deacetylase 3; minus strand). Cytogenetic location: 5q31.3.
Variant type: single nucleotide variant.
Coding change: c.893A>G on transcript NM_003883.4 (MANE Select); coding-DNA position 893, A replaced by G.
Protein change: p.Tyr298Cys; replaces tyrosine 298 with cysteine.
Molecular consequence: missense variant. On other transcripts: non-coding transcript variant (6).
Genome position (GRCh38, 1-based): chr5:141,626,221, T>C on the plus strand (A>G on the coding strand, the complement: HDAC3 is on the minus strand). VCF-style: chr5-141626221-T-C. GRCh37 (hg19) VCF-style: chr5-141005788-T-C.
Other names: c.893A>G, p.Tyr298Cys (NM_001355039.2); c.434A>G, p.Tyr145Cys (NM_001355040.2); c.332A>G, p.Tyr111Cys (NM_001355041.2); short protein forms Y298C, Y145C, Y111C.
Identifiers: ClinVar variation 521540 (VCV000521540.7), dbSNP rs1554216308, ClinGen allele CA361515988.